The following is an entry in ClinVar:

NM_004655.4(AXIN2):c.1388GCTCCC[3] (p.463RS[3])

Gene: AXIN2 (axin 2; minus strand). Cytogenetic location: 17q24.1.
Variant type: Microsatellite.
Coding change: c.1388GCTCCC[3] on transcript NM_004655.4 (MANE Select); three copies in a row of the 6-base unit GCTCCC starting at c.1388; the reference has two copies in a row; one copy, 6 bases duplicated.
Protein change: p.463RS[3].
Molecular consequence: inframe insertion.
Genome position (GRCh38, 1-based): chr17:65,537,637-65,537,642, GGGAGC duplicated on the plus strand (GCTCCC on the coding strand, the reverse complement: AXIN2 is on the minus strand); duplicating any 6 consecutive bases within chr17:65,537,637-65,537,651 gives the same sequence; the position shown is the placement nearest the transcript's 3' end. VCF-style (leftmost placement, unchanged base first): chr17-65537636-G-GGGGAGC. GRCh37 (hg19) VCF-style: chr17-63533754-G-GGGGAGC.
Other names: c.1388GCTCCC[3], p.463RS[3] (NM_001363813.1).
Identifiers: ClinVar variation 819077 (VCV000819077.5), dbSNP rs1567756137, ClinGen allele CA627152088.

ClinVar aggregate classification (germline): Uncertain significance. Review status: criteria provided, multiple submitters, no conflicts (2 of 4 stars). 2 submissions from 2 submitters: Uncertain significance (2). Last evaluated 2023-11-03.

Conditions:
Hereditary cancer-predisposing syndrome. Also called: Tumor predisposition; Hereditary neoplastic syndrome; Neoplastic Syndromes, Hereditary; Hereditary Cancer Syndrome. Identifiers: Orphanet 140162, MedGen C0027672, MeSH D009386, MONDO:0015356.
Oligodontia-cancer predisposition syndrome. Also called: TOOTH AGENESIS-COLORECTAL CANCER SYNDROME. Identifiers: Orphanet 300576, MedGen C1837750, MONDO:0012075, OMIM 608615. Disease mechanism: loss of function.

Submissions (2):

Ambry Genetics
Classification: Uncertain significance for Hereditary cancer-predisposing syndrome. Last evaluated: 2023-11-03. Review status: criteria provided, single submitter. Criteria: Ambry Variant Classification Scheme 2023. Collection method: clinical testing. Allele origin: germline.
Comment: The c.1394_1399dupGCTCCC variant (also known as p.R465_S466dup), located in coding exon 5 of the AXIN2 gene, results from an in-frame duplication of GCTCCC at nucleotide positions 1394 to 1399. This results in the duplication of 2 extra residues (RS) between codons 465 and 466. These amino acid positions are well conserved in available vertebrate species. In addition, the in silico prediction for this alteration is inconclusive (Choi Y et al. PLoS ONE. 2012; 7(10):e46688). Since supporting evidence is limited at this time, the clinical significance of this alteration remains unclear.

Labcorp Genetics (formerly Invitae), Labcorp
Classification: Uncertain significance for Oligodontia-cancer predisposition syndrome. Last evaluated: 2023-01-16. Review status: criteria provided, single submitter. Criteria: Invitae Variant Classification Sherloc (09022015). Collection method: clinical testing. Allele origin: germline.
Comment: ClinVar contains an entry for this variant (Variation ID: 819077). In summary, the available evidence is currently insufficient to determine the role of this variant in disease. Therefore, it has been classified as a Variant of Uncertain Significance. This variant has not been reported in the literature in individuals affected with AXIN2-related conditions. This variant is present in population databases (no rsID available, gnomAD 0.004%). This variant, c.1394_1399dup, results in the insertion of 2 amino acid(s) of the AXIN2 protein (p.Arg465_Ser466dup), but otherwise preserves the integrity of the reading frame.